The following is an entry in ClinVar:

NM_001378609.3(OTOGL):c.1697G>T (p.Gly566Val)

Gene: OTOGL (otogelin like; plus strand). Cytogenetic location: 12q21.31.
Variant type: single nucleotide variant.
Coding change: c.1697G>T on transcript NM_001378609.3 (MANE Select); coding-DNA position 1697, G replaced by T.
Protein change: p.Gly566Val; replaces glycine 566 with valine.
Molecular consequence: missense variant.
Genome position (GRCh38, 1-based): chr12:80,256,446, G>T. VCF-style: chr12-80256446-G-T. GRCh37 (hg19) VCF-style: chr12-80650226-G-T.
Other names: c.1697G>T, p.Gly566Val (NM_001368062.3, NM_001378610.3, NM_173591.7); short protein forms G566V.
Identifiers: ClinVar variation 1473675 (VCV001473675.6), dbSNP rs543115093, ClinGen allele CA385853784.
Genomic context (GRCh38, chr12:80,256,446, plus strand): 5'-ATTTTAACAAACAAGTGACCCTTGGTAGGGGAGGACAAATTCTCACTAGTCCTAACCAAG[G>T]CTTCAACCTGAATGGTAAGAAACAGTGCTAATGGTGTACTTTCTTTACATCAAACAAACA-3'
Protein context (NP_001365538.2, residues 556-576): GGQILTSPNQ[Gly566Val]FNLNGIVEIQ

ClinVar aggregate classification (germline): Uncertain significance (1 of 4 stars; one submission).

gnomAD v4.1: 7 of 1,581,816 alleles (0.00044%); highest among the groups gnomAD compares: South Asian, 0.0034%; no homozygotes.

Submission:

Labcorp Genetics (formerly Invitae), Labcorp
Classification: Uncertain significance. Last evaluated: 2021-08-11. Review status: criteria provided, single submitter. Criteria: Invitae Variant Classification Sherloc (09022015). Collection method: clinical testing. Allele origin: germline.
Comment: This sequence change replaces glycine with valine at codon 557 of the OTOGL protein (p.Gly557Val). The glycine residue is moderately conserved and there is a moderate physicochemical difference between glycine and valine. This variant is not present in population databases (ExAC no frequency). In summary, the available evidence is currently insufficient to determine the role of this variant in disease. Therefore, it has been classified as a Variant of Uncertain Significance. Algorithms developed to predict the effect of missense changes on protein structure and function (SIFT, PolyPhen-2, Align-GVGD) all suggest that this variant is likely to be tolerated. This variant has not been reported in the literature in individuals affected with OTOGL-related conditions.